The following is an entry in ClinVar:

ClinVar aggregate classification (germline): Uncertain significance (1 of 4 stars; one submission).

Conditions:
MC3R-related disorder. Also called: MC3R-related condition.

Submission:

PreventionGenetics, part of Exact Sciences
Classification: Uncertain significance for MC3R-related condition. Last evaluated: 2026-06-04. Review status: criteria provided, single submitter. Criteria: ACMG Guidelines, 2015. Collection method: clinical testing. Allele origin: germline.
Comment: The MC3R c.182T>C variant is predicted to result in the amino acid substitution p.Leu61Pro. To our knowledge, this variant has not been reported in the literature or in a large population database (gnomAD), indicating this variant is rare. At this time, the clinical significance of this variant is uncertain due to the absence of conclusive functional and genetic evidence.

NM_019888.3(MC3R):c.182T>C (p.Leu61Pro)

Gene: MC3R (melanocortin 3 receptor; plus strand). Cytogenetic location: 20q13.2.
Variant type: single nucleotide variant.
Coding change: c.182T>C on transcript NM_019888.3 (MANE Select); coding-DNA position 182, T replaced by C.
Protein change: p.Leu61Pro; replaces leucine 61 with proline.
Molecular consequence: missense variant.
Genome position (GRCh38, 1-based): chr20:56,249,025, T>C. VCF-style: chr20-56249025-T-C. GRCh37 (hg19) VCF-style: chr20-54824081-T-C.
Other names: short protein forms L61P.
Identifiers: ClinVar variation 4996311 (VCV004996311.1).